The following is an entry in ClinVar:

NM_001368894.2(PAX6):c.*417C>T

Genes: ELP4 (elongator acetyltransferase complex subunit 4; plus strand), PAX6 (paired box 6; minus strand). Cytogenetic location: 11p13.
Variant type: single nucleotide variant.
Coding change: c.*417C>T on transcript NM_001368894.2 (MANE Select); 417 bases downstream of the stop codon, C replaced by T.
Molecular consequence: 3 prime UTR variant. On other transcripts: non-coding transcript variant (2).
Genome position (GRCh38, 1-based): chr11:31,789,517, G>A on the plus strand (C>T on the coding strand, the complement: PAX6 is on the minus strand). VCF-style: chr11-31789517-G-A. GRCh37 (hg19) VCF-style: chr11-31811065-G-A.
Other names: c.*5979G>A (NM_001288725.2); c.*6088G>A (NM_001288726.2); c.*5993G>A (NM_019040.5); c.*417C>T (NM_000280.6, NM_001127612.3, NM_001258462.3 and 37 more transcripts); c.*113C>T (NM_001368911.2, NM_001368912.2, NM_001368913.2 and 6 more transcripts).
Identifiers: ClinVar variation 304347 (VCV000304347.7), dbSNP rs55756603, ClinGen allele CA10638923.
Genomic context (GRCh38, chr11:31,789,517, plus strand): 5'-GGAATGATACAAACTTGGAACATCAGTCCATAAACTATGAACAGATGGGTAGAAGTATTC[G>A]ATATATCTTGATAAAACTCTTAAATTCGTGGCAAAGCTTGTTGATCATGGTTTTCTTTTT-3'

ClinVar aggregate classification (germline): Benign. Review status: criteria provided, single submitter (1 of 4 stars). 6 submissions from 1 submitter: Benign (6). Last evaluated 2018-01-12.

Conditions:
11p partial monosomy syndrome (WAGR). Also called: CHROMOSOME 11p13 DELETION SYNDROME; WAGR syndrome; WAGR Complex; WAGR Spectrum Disorder. Identifiers: Orphanet 893, MedGen C0206115, MONDO:0008681, OMIM 194072.
carboxymethyl-dextran-A2-gadolinium-DOTA.
Autosomal dominant keratitis. Also called: Keratitis, hereditary. Identifiers: Orphanet 2334, MedGen C1835698, MONDO:0007848, OMIM 148190.
Anophthalmia-microphthalmia syndrome. Also called: Anophthalmia/Microphthalmia; Anophthalmia - microphthalmia. Identifiers: Orphanet 98555, MedGen C5680330, MONDO:0020147.
Foveal hypoplasia 1. Also called: FOVEAL HYPOPLASIA 1 WITH OR WITHOUT ANTERIOR SEGMENT ANOMALIES AND/OR CATARACT; FOVEAL HYPOPLASIA 1 WITH ANTERIOR SEGMENT ANOMALIES. Identifiers: Orphanet 2253, MedGen C3805604, MONDO:0007628, OMIM 136520.
Aniridia 1 (AN1). Identifiers: Orphanet 250923, MedGen C0344542, MONDO:0024507, OMIM 106210.

Allele frequency attached by ClinVar (database versions not stated): gnomAD exomes 0.00099; gnomAD 0.00756 and 0.00810; 1000 Genomes Project 0.00779; TOPMed 0.00821; 1000 Genomes Project 30x 0.00843.
gnomAD v4.1: 1,581 of 589,828 alleles (0.27%); highest among the groups gnomAD compares: African/African-American, 2.6%; 20 homozygotes.

Submissions (6):

Illumina Laboratory Services, Illumina
Classification: Benign for Autosomal dominant keratitis. Last evaluated: 2018-01-12. Review status: criteria provided, single submitter. Criteria: ICSL Variant Classification Criteria 13 December 2019. Collection method: clinical testing. Allele origin: germline.
Comment: This variant was observed in the ICSL laboratory as part of a predisposition screen in an ostensibly healthy population. It had not been previously curated by ICSL or reported in the Human Gene Mutation Database (HGMD: prior to June 1st, 2018), and was therefore a candidate for classification through an automated scoring system. Utilizing variant allele frequency, disease prevalence and penetrance estimates, and inheritance mode, an automated score was calculated to assess if this variant is too frequent to cause the disease. Based on the score and internal cut-off values, a variant classified as benign is not then subjected to further curation. The score for this variant resulted in a classification of benign for this disease.

Illumina Laboratory Services, Illumina
Classification: Benign for Anophthalmia-microphthalmia syndrome. Last evaluated: 2018-01-12. Review status: criteria provided, single submitter. Criteria: ICSL Variant Classification Criteria 13 December 2019. Collection method: clinical testing. Allele origin: germline.
Comment: the same text as in the submission from Illumina Laboratory Services, Illumina above.

Illumina Laboratory Services, Illumina
Classification: Benign for Aniridia 1. Last evaluated: 2018-01-12. Review status: criteria provided, single submitter. Criteria: ICSL Variant Classification Criteria 13 December 2019. Collection method: clinical testing. Allele origin: germline.
Comment: the same text as in the submission from Illumina Laboratory Services, Illumina above.

Illumina Laboratory Services, Illumina
Classification: Benign for Wilms tumor, aniridia, genitourinary anomalies, and mental retardation syndrome. Last evaluated: 2018-01-12. Review status: criteria provided, single submitter. Criteria: ICSL Variant Classification Criteria 13 December 2019. Collection method: clinical testing. Allele origin: germline.
Comment: the same text as in the submission from Illumina Laboratory Services, Illumina above.

Illumina Laboratory Services, Illumina
Classification: Benign for carboxymethyl-dextran-A2-gadolinium-DOTA. Last evaluated: 2018-01-12. Review status: criteria provided, single submitter. Criteria: ICSL Variant Classification Criteria 13 December 2019. Collection method: clinical testing. Allele origin: germline.
Comment: the same text as in the submission from Illumina Laboratory Services, Illumina above.

Illumina Laboratory Services, Illumina
Classification: Benign for Foveal hypoplasia 1. Last evaluated: 2018-01-12. Review status: criteria provided, single submitter. Criteria: ICSL Variant Classification Criteria 13 December 2019. Collection method: clinical testing. Allele origin: germline.
Comment: the same text as in the submission from Illumina Laboratory Services, Illumina above.